The following is an entry in ClinVar:

ClinVar aggregate classification (germline): Uncertain significance (1 of 4 stars; one submission).

Allele frequency attached by ClinVar (database versions not stated): gnomAD 0.00001.

Submission:

Labcorp Genetics (formerly Invitae), Labcorp
Classification: Uncertain significance. Last evaluated: 2022-09-14. Review status: criteria provided, single submitter. Criteria: Invitae Variant Classification Sherloc (09022015). Collection method: clinical testing. Allele origin: germline.
Comment: This variant has not been reported in the literature in individuals affected with USP7-related conditions. In summary, the available evidence is currently insufficient to determine the role of this variant in disease. Therefore, it has been classified as a Variant of Uncertain Significance. Algorithms developed to predict the effect of missense changes on protein structure and function (SIFT, PolyPhen-2, Align-GVGD) all suggest that this variant is likely to be tolerated. ClinVar contains an entry for this variant (Variation ID: 1448436). This sequence change replaces alanine, which is neutral and non-polar, with threonine, which is neutral and polar, at codon 674 of the USP7 protein (p.Ala674Thr). This variant is not present in population databases (gnomAD no frequency).

NM_003470.3(USP7):c.2020G>A (p.Ala674Thr)

Gene: USP7 (ubiquitin specific peptidase 7; minus strand). Cytogenetic location: 16p13.2.
Variant type: single nucleotide variant.
Coding change: c.2020G>A on transcript NM_003470.3 (MANE Select); coding-DNA position 2020, G replaced by A.
Protein change: p.Ala674Thr; replaces alanine 674 with threonine.
Molecular consequence: missense variant. On other transcripts: non-coding transcript variant (1).
Genome position (GRCh38, 1-based): chr16:8,902,109, C>T on the plus strand (G>A on the coding strand, the complement: USP7 is on the minus strand). VCF-style: chr16-8902109-C-T. GRCh37 (hg19) VCF-style: chr16-8995966-C-T.
Other names: c.1972G>A, p.Ala658Thr (NM_001286457.2); c.1723G>A, p.Ala575Thr (NM_001286458.2); c.1846G>A, p.Ala616Thr (NM_001321858.2); short protein forms A616T, A658T, A674T, A575T.
Identifiers: ClinVar variation 1448436 (VCV001448436.6), dbSNP rs2061784416, ClinGen allele CA394699829.
Genomic context (GRCh38, chr16:8,902,109, plus strand): 5'-CTAAGTGCAGGCAGGCGTCTCGTGGGCACTTACGATCTTTATCAAACTTGGGTAAGGTCG[C>T]TCCACTAGCAGCCAGCTCGGGATCAACTGTTTCCAGGAATATTGTCCAAGGGTTTTCATT-3'
Protein context (NP_003461.2, residues 664-684): TVDPELAASG[Ala674Thr]TLPKFDKDHD